The following is an entry in ClinVar:

NM_001365999.1(SZT2):c.2572G>A (p.Ala858Thr)

Gene: SZT2 (SZT2 subunit of KICSTOR complex; plus strand). Cytogenetic location: 1p34.2.
Variant type: single nucleotide variant.
Coding change: c.2572G>A on transcript NM_001365999.1 (MANE Select); coding-DNA position 2572, G replaced by A.
Protein change: p.Ala858Thr; replaces alanine 858 with threonine.
Molecular consequence: missense variant.
Genome position (GRCh38, 1-based): chr1:43,425,134, G>A. VCF-style: chr1-43425134-G-A. GRCh37 (hg19) VCF-style: chr1-43890805-G-A.
Other names: c.2572G>A, p.Ala858Thr (NM_015284.4); short protein forms A858T.
Identifiers: ClinVar variation 1043455 (VCV001043455.6), dbSNP rs1652982465, ClinGen allele CA340013609.

ClinVar aggregate classification (germline): Uncertain significance (1 of 4 stars; one submission).

Submission:

Labcorp Genetics (formerly Invitae), Labcorp
Classification: Uncertain significance. Last evaluated: 2021-08-27. Review status: criteria provided, single submitter. Criteria: Invitae Variant Classification Sherloc (09022015). Collection method: clinical testing. Allele origin: germline.
Comment: This sequence change replaces alanine with threonine at codon 858 of the SZT2 protein (p.Ala858Thr). The alanine residue is highly conserved and there is a small physicochemical difference between alanine and threonine. This variant is not present in population databases (ExAC no frequency). This variant has not been reported in the literature in individuals affected with SZT2-related conditions. Algorithms developed to predict the effect of missense changes on protein structure and function output the following: SIFT: "Tolerated"; PolyPhen-2: "Benign"; Align-GVGD: "Class C0". The threonine amino acid residue is found in multiple mammalian species, which suggests that this missense change does not adversely affect protein function. In summary, the available evidence is currently insufficient to determine the role of this variant in disease. Therefore, it has been classified as a Variant of Uncertain Significance.